The following is an entry in ClinVar:

ClinVar aggregate classification (germline): Uncertain significance (1 of 4 stars; one submission).

Allele frequency attached by ClinVar (database versions not stated): gnomAD exomes 0.00002.
gnomAD v4.1: 28 of 1,605,474 alleles (0.0017%); highest among the groups gnomAD compares: Non-Finnish European, 0.0022%; no homozygotes.

Submission:

Labcorp Genetics (formerly Invitae), Labcorp
Classification: Uncertain significance. Last evaluated: 2026-01-08. Review status: criteria provided, single submitter. Criteria: Invitae Variant Classification Sherloc (09022015). Collection method: clinical testing. Allele origin: germline.
Comment: This sequence change replaces leucine, which is neutral and non-polar, with valine, which is neutral and non-polar, at codon 996 of the EFL1 protein (p.Leu996Val). This variant is present in population databases (rs753483096, gnomAD 0.003%). This variant has not been reported in the literature in individuals affected with EFL1-related conditions. ClinVar contains an entry for this variant (Variation ID: 1955035). Invitae Evidence Modeling of protein sequence and biophysical properties (such as structural, functional, and spatial information, amino acid conservation, physicochemical variation, residue mobility, and thermodynamic stability) indicates that this missense variant is not expected to disrupt EFL1 protein function with a negative predictive value of 80%. In summary, the available evidence is currently insufficient to determine the role of this variant in disease. Therefore, it has been classified as a Variant of Uncertain Significance.

NM_024580.6(EFL1):c.2986C>G (p.Leu996Val)

Gene: EFL1 (elongation factor like GTPase 1; minus strand). Cytogenetic location: 15q25.2.
Variant type: single nucleotide variant.
Coding change: c.2986C>G on transcript NM_024580.6 (MANE Select); coding-DNA position 2986, C replaced by G.
Protein change: p.Leu996Val; replaces leucine 996 with valine.
Molecular consequence: missense variant. On other transcripts: non-coding transcript variant (1).
Genome position (GRCh38, 1-based): chr15:82,151,468, G>C on the plus strand (C>G on the coding strand, the complement: EFL1 is on the minus strand). VCF-style: chr15-82151468-G-C. GRCh37 (hg19) VCF-style: chr15-82443809-G-C.
Other names: c.2833C>G, p.Leu945Val (NM_001040610.3); c.2197C>G, p.Leu733Val (NM_001322844.2); c.2986C>G, p.Leu996Val (NM_001322845.2); short protein forms L996V, L733V, L945V.
Identifiers: ClinVar variation 1955035 (VCV001955035.4), dbSNP rs753483096, ClinGen allele CA273470497.